The following is an entry in ClinVar:

ClinVar aggregate classification (germline): Likely benign. Review status: criteria provided, multiple submitters, no conflicts (2 of 4 stars). 3 submissions from 3 submitters: Likely benign (3). Last evaluated 2026-01-25.

Conditions:
Glycogen storage disease type III (GSD3). Also called: Cori disease; FORBES DISEASE. Identifiers: Orphanet 366, MedGen C0017922, MONDO:0009291, OMIM 232400.

Allele frequency attached by ClinVar (database versions not stated): gnomAD 0.00003; gnomAD exomes 0.00004; ExAC 0.00005; TOPMed 0.00006; ESP Exome Variant Server 0.00023.
gnomAD v4.1: 49 of 1,613,394 alleles (0.003%); highest among the groups gnomAD compares: Non-Finnish European, 0.0041%; no homozygotes.

Submissions (3):

Labcorp Genetics (formerly Invitae), Labcorp
Classification: Likely benign for Glycogen storage disease type III. Last evaluated: 2026-01-25. Review status: criteria provided, single submitter. Criteria: Invitae Variant Classification Sherloc (09022015). Collection method: clinical testing. Allele origin: germline.

Genome-Nilou Lab
Classification: Likely benign for Glycogen storage disease type III. Last evaluated: 2023-04-11. Review status: criteria provided, single submitter. Criteria: ACMG Guidelines, 2015. Collection method: clinical testing. Allele origin: germline. Affected: no.

GeneDx
Classification: Likely benign. Last evaluated: 2017-11-09. Review status: criteria provided, single submitter. Criteria: GeneDx Variant Classification (06012015). Collection method: clinical testing. Allele origin: germline. Affected: yes.
Comment: This variant is considered likely benign or benign based on one or more of the following criteria: it is a conservative change, it occurs at a poorly conserved position in the protein, it is predicted to be benign by multiple in silico algorithms, and/or has population frequency not consistent with disease.

NM_000642.3(AGL):c.2814T>G (p.Gly938=)

Gene: AGL (amylo-alpha-1,6-glucosidase and 4-alpha-glucanotransferase; plus strand). Cytogenetic location: 1p21.2.
Variant type: single nucleotide variant.
Coding change: c.2814T>G on transcript NM_000642.3 (MANE Select); coding-DNA position 2814, T replaced by G.
Protein change: p.Gly938=; no amino-acid change (glycine 938 retained).
Molecular consequence: synonymous variant.
Genome position (GRCh38, 1-based): chr1:99,891,221, T>G. VCF-style: chr1-99891221-T-G. GRCh37 (hg19) VCF-style: chr1-100356777-T-G.
Other names: c.2814T>G, p.Gly938= (NM_000028.3, NM_000643.3, NM_000644.3 and 1 more transcripts); c.2766T>G, p.Gly922= (NM_000646.3); c.2613T>G, p.Gly871= (NM_001425327.1); c.2610T>G, p.Gly870= (NM_001425328.1); c.2475T>G, p.Gly825= (NM_001425329.1); c.2436T>G, p.Gly812= (NM_001425332.1).
Identifiers: ClinVar variation 512783 (VCV000512783.12), dbSNP rs147590282, ClinGen allele CA966913.
Genomic context (GRCh38, chr1:99,891,221, plus strand): 5'-GATATAGGAACAAATTGATGCTACCAATAATACAGCATGACATGTCTCTGAATTTTCAGG[T>G]TTAATGTCTGTATTGGCAGAAATAAGACCAAAGAATGACTTGGGGCATCCTTTTTGTAAT-3'
Protein context (NP_000633.2, residues 928-948): WSALKYAGLQ[Gly938=]LMSVLAEIRP